The following is an entry in ClinVar:

NM_000238.4(KCNH2):c.370A>G (p.Met124Val)

Gene: KCNH2 (potassium voltage-gated channel subfamily H member 2; minus strand). Cytogenetic location: 7q36.1.
Variant type: single nucleotide variant.
Coding change: c.370A>G on transcript NM_000238.4 (MANE Select); coding-DNA position 370, A replaced by G.
Protein change: p.Met124Val; replaces methionine 124 with valine.
Molecular consequence: missense variant. On other transcripts: non-coding transcript variant (1).
Genome position (GRCh38, 1-based): chr7:150,959,674, T>C on the plus strand (A>G on the coding strand, the complement: KCNH2 is on the minus strand). VCF-style: chr7-150959674-T-C. GRCh37 (hg19) VCF-style: chr7-150656762-T-C.
Other names: c.82A>G, p.Met28Val (NM_001406753.1, NM_001406756.1); c.193A>G, p.Met65Val (NM_001406755.1); c.70A>G, p.Met24Val (NM_001406757.1); c.370A>G, p.Met124Val (NM_172056.3); short protein forms M124V, M24V, M28V, M65V.
Identifiers: ClinVar variation 3069280 (VCV003069280.1), dbSNP rs2486101161, ClinGen allele CA369863803.

ClinVar aggregate classification (germline): Uncertain significance (1 of 4 stars; one submission).

Conditions:
Long QT syndrome (LQTS). Identifiers: MedGen C0023976, MeSH D008133, MONDO:0002442. Disease mechanism: loss of function. Inheritance: Various modes of inheritance.

Submission:

All of Us Research Program, National Institutes of Health
Classification: Uncertain significance for Long QT syndrome. Last evaluated: 2023-12-01. Review status: criteria provided, single submitter. Criteria: ACMG Guidelines, 2015. Collection method: clinical testing. Allele origin: germline. Inheritance: Autosomal dominant inheritance. Observed: 1 variant allele, 1 heterozygote.
Comment: This study involves interpretation of variants in research participants for the purpose of population health screening. Participant phenotype was not available at the time of variant classification. Additional details can be found in publication PMID: 35346344, PMCID: PMC8962531